The following is an entry in ClinVar:

NM_017999.5(RNF31):c.96G>T (p.Glu32Asp)

Gene: RNF31 (ring finger protein 31; plus strand). Cytogenetic location: 14q12.
Variant type: single nucleotide variant.
Coding change: c.96G>T on transcript NM_017999.5 (MANE Select); coding-DNA position 96, G replaced by T.
Protein change: p.Glu32Asp; replaces glutamic acid 32 with aspartic acid.
Molecular consequence: missense variant. On other transcripts: intron variant (1).
Genome position (GRCh38, 1-based): chr14:24,147,794, G>T. VCF-style: chr14-24147794-G-T. GRCh37 (hg19) VCF-style: chr14-24617003-G-T.
Other names: c.-325-182G>T (NM_001310332.2); short protein forms E32D.
Identifiers: ClinVar variation 4811299 (VCV004811299.1).

ClinVar aggregate classification (germline): Uncertain significance (1 of 4 stars; one submission).

Submission:

Labcorp Genetics (formerly Invitae), Labcorp
Classification: Uncertain significance. Last evaluated: 2025-07-16. Review status: criteria provided, single submitter. Criteria: Invitae Variant Classification Sherloc (09022015). Collection method: clinical testing. Allele origin: germline.
Comment: This sequence change replaces glutamic acid, which is acidic and polar, with aspartic acid, which is acidic and polar, at codon 32 of the RNF31 protein (p.Glu32Asp). This variant is not present in population databases (gnomAD no frequency). This variant has not been reported in the literature in individuals affected with RNF31-related conditions. An algorithm developed to predict the effect of missense changes on protein structure and function (PolyPhen-2) suggests that this variant is likely to be disruptive. In summary, the available evidence is currently insufficient to determine the role of this variant in disease. Therefore, it has been classified as a Variant of Uncertain Significance.